The following is an entry in ClinVar:

ClinVar aggregate classification (germline): Pathogenic. Review status: reviewed by expert panel (3 of 4 stars). 2 submissions from 2 submitters: Pathogenic (1). 1 of the submissions does not count toward it. Last evaluated 2025-08-01.

Conditions:
RPGR-related retinopathy. Also called: RPGR retinopathy. Identifiers: MedGen CN305589, MONDO:0100437.

Submissions (2):

ClinGen X-linked Inherited Retinal Disease Variant Curation Expert Panel, ClinGen
Classification: Pathogenic for RPGR-related retinopathy. Last evaluated: 2025-08-01. Review status: reviewed by expert panel. Criteria: ClinGen X LinkedIRD ACMG Specifications RPGR V1.0.0. Collection method: curation. Allele origin: germline. Inheritance: X-linked inheritance.
Comment: NM_001034853.2(RPGR):c.1477del (p.Gly494GlufsTer7) is a 1-nucleotide deletion variant in exon 12 of 15, which results in a frameshift and premature stop codon after 7 amino acids and is predicted to trigger nonsense-mediated decay (PVS1). This variant is absent from gnomAD v4.1.0 (PM2_Supporting). At least one proband harboring this variant exhibits a phenotype including a family history consistent with X-linked inheritance (2 pts), non-recordable electroretinogram responses, high myopia (1 pt), reduced visual acuity (0.5 pts), and genotyping by next-generation sequencing panel that did not identify an alternative basis for retinal disease (2 pts), which together are specific for RPGR-related retinopathy (PMID: 32702353, 5.5 points, PP4). In summary, this variant is classified as pathogenic for RPGR-related retinopathy based on the ClinGen X-linked Inherited Retinal Disease Expert Panel Specifications to the ACMG/AMP Variant Interpretation Guidelines for RPGR Version 1.0.0; PVS1, PM2_Supporting, and PP4. (date of approval 05/16/2025).

Retina International
No classification provided. Review status: no classification provided. Collection method: not provided. Allele origin: not provided. Not counted in ClinVar's aggregate classification.

NM_001034853.2(RPGR):c.1477del (p.Gly494fs)

Gene: RPGR (retinitis pigmentosa GTPase regulator; minus strand). Cytogenetic location: Xp11.4.
Variant type: Deletion.
Coding change: c.1477del on transcript NM_001034853.2 (MANE Select); coding-DNA position 1477, one base deleted (C; older notation c.1477delC).
Protein change: p.Gly494fs; shifts the reading frame from glycine 494.
Molecular consequence: frameshift variant. On other transcripts: non-coding transcript variant (5).
Genome position (GRCh38, 1-based): chrX:38,291,422, G deleted on the plus strand (C on the coding strand, the reverse complement: RPGR is on the minus strand); the first of 2 consecutive G bases (chrX:38,291,422-38,291,423); deleting either gives the same sequence. VCF-style (leftmost placement, unchanged base first): chrX-38291421-AG-A. GRCh37 (hg19) VCF-style: chrX-38150674-AG-A.
Other names: NM_001034853.2(RPGR):c.1477del; p.Gly494fs; c.1477del, p.Gly494fs (NM_000328.3, NM_001367247.1); c.1474del, p.Gly493fs (NM_001367245.1, NM_001367249.1, NM_001367250.1); c.1291del, p.Gly432fs (NM_001367246.1, NM_001367251.1); c.1507del, p.Gly504fs (NM_001367248.1); short protein forms G494fs, G504fs, G432fs, G493fs.
Identifiers: ClinVar variation 98742 (VCV000098742.2), dbSNP rs62635005, ClinGen allele CA226362.